The following is an entry in ClinVar:

NM_001377540.1(SLMAP):c.2258T>C (p.Leu753Ser)

Gene: SLMAP (sarcolemma associated protein; plus strand). Cytogenetic location: 3p14.3.
Variant type: single nucleotide variant.
Coding change: c.2258T>C on transcript NM_001377540.1 (MANE Select); coding-DNA position 2258, T replaced by C.
Protein change: p.Leu753Ser; replaces leucine 753 with serine.
Molecular consequence: missense variant. On other transcripts: non-coding transcript variant (1).
Genome position (GRCh38, 1-based): chr3:57,917,025, T>C. VCF-style: chr3-57917025-T-C. GRCh37 (hg19) VCF-style: chr3-57902752-T-C.
Other names: c.2207T>C, p.Leu736Ser (NM_001304420.3, NM_001377541.1, NM_001377542.1); c.2093T>C, p.Leu698Ser (NM_001304421.2, NM_001377557.1, NM_001377559.1); c.809T>C, p.Leu270Ser (NM_001304422.3, NM_001311178.2); c.611T>C, p.Leu204Ser (NM_001304423.3); c.686T>C, p.Leu229Ser (NM_001311179.2, NM_001377926.1, NM_001377927.1); c.2279T>C, p.Leu760Ser (NM_001377538.1); c.2258T>C, p.Leu753Ser (NM_001377539.1); c.2195T>C, p.Leu732Ser (NM_001377545.1); and 8 more; short protein forms L229S, L695S, L698S, L712S, L719S, L270S, L657S, L732S.
Identifiers: ClinVar variation 3320569 (VCV003320569.1).
Genomic context (GRCh38, chr3:57,917,025, plus strand): 5'-AAGAACTTGAGAATCAAGTGGGATCCTTGAAAGAACAGCATCTTCGGGATTCAGCTGATT[T>C]AAAAACTCTTCTCAGTAAGGCAGAAAACCAAGCAAAGGATGTGCAGAAAGAGGTAAAGCG-3'
Protein context (NP_001364469.1, residues 743-763): KEQHLRDSAD[Leu753Ser]KTLLSKAENQ

ClinVar aggregate classification (germline): Uncertain significance (1 of 4 stars; one submission).

Submission:

Ambry Genetics
Classification: Uncertain significance. Last evaluated: 2024-03-22. Review status: criteria provided, single submitter. Criteria: Ambry Variant Classification Scheme 2023. Collection method: clinical testing. Allele origin: germline.
Comment: The p.L719S variant (also known as c.2156T>C), located in coding exon 19 of the SLMAP gene, results from a T to C substitution at nucleotide position 2156. The leucine at codon 719 is replaced by serine, an amino acid with dissimilar properties. This amino acid position is conserved. In addition, this alteration is predicted to be deleterious by in silico analysis. Based on the available evidence, the clinical significance of this alteration remains unclear.